The following is an entry in ClinVar:

ClinVar aggregate classification (germline): Benign. Review status: criteria provided, multiple submitters, no conflicts (2 of 4 stars). 3 submissions from 3 submitters: Benign (3). Last evaluated 2018-06-19.

Conditions:
Unverricht-Lundborg syndrome. Also called: Unverricht-Lundborg Disease; EPILEPSY, PROGRESSIVE MYOCLONIC, 1A; Progressive myoclonus epilepsy baltic myoclonic epilepsy; Myoclonus progressive epilepsy of Unverricht and Lundborg; Epilepsy, progressive myoclonic 1A (Unverricht and Lundborg); Myoclonic epilepsy of unverricht and lundborg. Identifiers: Orphanet 308, MedGen C0751785, MONDO:0009698, OMIM 254800.

Allele frequency attached by ClinVar (database versions not stated): 1000 Genomes Project 30x 0.07605; 1000 Genomes Project 0.07867; TOPMed 0.07154.

Submissions (3):

GeneDx
Classification: Benign. Last evaluated: 2018-06-19. Review status: criteria provided, single submitter. Criteria: GeneDx Variant Classification Process June 2021. Collection method: clinical testing. Allele origin: germline. Affected: yes.

Illumina Laboratory Services, Illumina
Classification: Benign for Unverricht-Lundborg syndrome. Last evaluated: 2018-01-13. Review status: criteria provided, single submitter. Criteria: ICSL Variant Classification Criteria 13 December 2019. Collection method: clinical testing. Allele origin: germline.
Comment: This variant was observed in the ICSL laboratory as part of a predisposition screen in an ostensibly healthy population. It had not been previously curated by ICSL or reported in the Human Gene Mutation Database (HGMD: prior to June 1st, 2018), and was therefore a candidate for classification through an automated scoring system. Utilizing variant allele frequency, disease prevalence and penetrance estimates, and inheritance mode, an automated score was calculated to assess if this variant is too frequent to cause the disease. Based on the score and internal cut-off values, a variant classified as benign is not then subjected to further curation. The score for this variant resulted in a classification of benign for this disease.

Breakthrough Genomics
Classification: Benign. Review status: criteria provided, single submitter. Criteria: ACMG Guidelines, 2015. Collection method: not provided. Allele origin: germline. Inheritance: Autosomal recessive inheritance. Affected: yes.

NM_000100.3(CSTB):c.*325A>G

Gene: CSTB (cystatin B; minus strand). Cytogenetic location: 21q22.3.
Variant type: single nucleotide variant.
Coding change: c.*325A>G on transcript NM_000100.3; 325 bases downstream of the stop codon, A replaced by G.
Genome position (GRCh38, 1-based): chr21:43,773,877, T>C on the plus strand (A>G on the coding strand, the complement: CSTB is on the minus strand). VCF-style: chr21-43773877-T-C. GRCh37 (hg19) VCF-style: chr21-45193758-T-C.
Identifiers: ClinVar variation 340116 (VCV000340116.9), dbSNP rs28691645, ClinGen allele CA10650578.